The following is an entry in ClinVar:

NM_000051.4(ATM):c.610G>T (p.Gly204Ter)

Gene: ATM (ATM serine/threonine kinase; plus strand). Cytogenetic location: 11q22.3.
Variant type: single nucleotide variant.
Coding change: c.610G>T on transcript NM_000051.4 (MANE Select); coding-DNA position 610, G replaced by T.
Protein change: p.Gly204Ter; replaces glycine 204 with a stop codon.
Molecular consequence: nonsense.
Genome position (GRCh38, 1-based): chr11:108,244,066, G>T. VCF-style: chr11-108244066-G-T. GRCh37 (hg19) VCF-style: chr11-108114793-G-T.
Other names: c.610G>T, p.Gly204Ter (NM_001351834.2); short protein forms G204*.
Identifiers: ClinVar variation 1453038 (VCV001453038.10), dbSNP rs147915571, ClinGen allele CA6264635.

ClinVar aggregate classification (germline): Pathogenic. Review status: criteria provided, multiple submitters, no conflicts (2 of 4 stars). 2 submissions from 2 submitters: Pathogenic (2). Last evaluated 2023-12-21.

Conditions:
Familial cancer of breast. Also called: hereditary breast carcinoma; BREAST CANCER, FAMILIAL; Hereditary breast cancer. Identifiers: Orphanet 227535, MedGen C0346153, MONDO:0016419, OMIM 114480. Disease mechanism: loss of function.
Ataxia-telangiectasia syndrome (AT). Also called: Ataxia-telangiectasia, complementation group E; LOUIS-BAR SYNDROME; Ataxia-telangiectasia, complementation group D; AT, COMPLEMENTATION GROUP C; Ataxia-telangiectasia; Cerebello-oculocutaneous telangiectasia. Identifiers: Orphanet 100, MedGen C0004135, MONDO:0008840, OMIM 208900.

Submissions (2):

Labcorp Genetics (formerly Invitae), Labcorp
Classification: Pathogenic for Ataxia-telangiectasia syndrome. Last evaluated: 2023-12-21. Review status: criteria provided, single submitter. Criteria: Invitae Variant Classification Sherloc (09022015). Collection method: clinical testing. Allele origin: germline.
Comment: This sequence change creates a premature translational stop signal (p.Gly204*) in the ATM gene. It is expected to result in an absent or disrupted protein product. Loss-of-function variants in ATM are known to be pathogenic (PMID: 23807571, 25614872). This variant is not present in population databases (gnomAD no frequency). This premature translational stop signal has been observed in individual(s) with ataxia-telangiectasia (PMID: 16029571). ClinVar contains an entry for this variant (Variation ID: 1453038). Algorithms developed to predict the effect of sequence changes on RNA splicing suggest that this variant may disrupt the consensus splice site. For these reasons, this variant has been classified as Pathogenic.

Mendelics
Classification: Pathogenic for Familial cancer of breast. Last evaluated: 2022-05-04. Review status: criteria provided, single submitter. Criteria: Mendelics Assertion Criteria 2019. Collection method: clinical testing. Allele origin: germline.

Literature cited by the submitters: PubMed 23807571 (cited by Labcorp Genetics (formerly Invitae), Labcorp); PubMed 25614872 (cited by Labcorp Genetics (formerly Invitae), Labcorp); PubMed 16029571 (cited by Labcorp Genetics (formerly Invitae), Labcorp).